The following is an entry in ClinVar:

ClinVar aggregate classification (germline): Likely benign (1 of 4 stars; one submission).

Conditions:
Erythrokeratodermia variabilis et progressiva 1 (EKVP1). Also called: ERYTHROKERATODERMIA FIGURATA, CONGENITAL FAMILIAL, IN PLAQUES; ERYTHROKERATODERMIA VARIABILIS WITH ERYTHEMA GYRATUM REPENS; ERYTHROKERATODERMIA, PROGRESSIVE SYMMETRIC. Identifiers: Orphanet 317, MedGen C4551486, MONDO:0033010, OMIM 133200.

Allele frequency attached by ClinVar (database versions not stated): gnomAD 0.00001; gnomAD exomes 0.00001; TOPMed 0.00001; ExAC 0.00002.

Submission:

Illumina Laboratory Services, Illumina
Classification: Likely benign for Erythrokeratodermia variabilis et progressiva 1. Last evaluated: 2018-01-12. Review status: criteria provided, single submitter. Criteria: ICSL Variant Classification Criteria 13 December 2019. Collection method: clinical testing. Allele origin: germline.
Comment: This variant was observed in the ICSL laboratory as part of a predisposition screen in an ostensibly healthy population. It had not been previously curated by ICSL or reported in the Human Gene Mutation Database (HGMD: prior to June 1st, 2018), and was therefore a candidate for classification through an automated scoring system. Utilizing variant allele frequency, disease prevalence and penetrance estimates, and inheritance mode, an automated score was calculated to assess if this variant is too frequent to cause the disease. Based on the score and internal cut-off values, a variant classified as likely benign is not then subjected to further curation. The score for this variant resulted in a classification of likely benign for this disease.

NM_024009.3(GJB3):c.165C>T (p.Thr55=)

Gene: GJB3 (gap junction protein beta 3; plus strand). Cytogenetic location: 1p34.3.
Variant type: single nucleotide variant.
Coding change: c.165C>T on transcript NM_024009.3 (MANE Select); coding-DNA position 165, C replaced by T.
Protein change: p.Thr55=; no amino-acid change (threonine 55 retained).
Molecular consequence: synonymous variant.
Genome position (GRCh38, 1-based): chr1:34,784,927, C>T. VCF-style: chr1-34784927-C-T. GRCh37 (hg19) VCF-style: chr1-35250528-C-T.
Other names: c.165C>T, p.Thr55= (NM_001005752.2).
Identifiers: ClinVar variation 297190 (VCV000297190.5), dbSNP rs779347602, ClinGen allele CA754767.
Genomic context (GRCh38, chr1:34,784,927, plus strand): 5'-ATACGTGGTGGCTGCAGAGCGCGTGTGGGGGGATGAGCAGAAGGACTTTGACTGCAACAC[C>T]AAGCAGCCCGGCTGCACCAACGTCTGCTACGACAACTACTTCCCCATCTCCAACATCCGC-3'
Protein context (NP_076872.1, residues 45-65): GDEQKDFDCN[Thr55=]KQPGCTNVCY